The following is an entry in ClinVar:

ClinVar aggregate classification (germline): Uncertain significance (1 of 4 stars; one submission).

Submission:

Labcorp Genetics (formerly Invitae), Labcorp
Classification: Uncertain significance. Last evaluated: 2022-10-05. Review status: criteria provided, single submitter. Criteria: Invitae Variant Classification Sherloc (09022015). Collection method: clinical testing. Allele origin: germline.
Comment: This variant results in a copy number gain of the genomic region encompassing exon(s) 1-19 of the OTOA gene. This region includes the initiator codon of the gene. This copy number gain extends beyond the assayed region for this gene and therefore may encompass additional genes. As the precise location of this event is unknown, it may be in tandem or it may be located elsewhere in the genome. This variant has not been reported in the literature in individuals affected with OTOA-related conditions. Experimental studies and prediction algorithms are not available or were not evaluated, and the functional significance of this variant is currently unknown. In summary, the available evidence is currently insufficient to determine the role of this variant in disease. Therefore, it has been classified as a Variant of Uncertain Significance.

NC_000016.9:g.(?_21689836)_(21739772_?)dup

Gene: OTOA (otoancorin). Cytogenetic location: 16p12.2.
Variant type: Duplication.
Identifiers: ClinVar variation 1448527 (VCV001448527.4).